The following is an entry in ClinVar:

ClinVar aggregate classification (germline): Uncertain significance. Review status: criteria provided, multiple submitters, no conflicts (2 of 4 stars). 3 submissions from 3 submitters: Uncertain significance (3). Last evaluated 2025-11-25.

Conditions:
Hereditary cancer-predisposing syndrome. Also called: Hereditary Cancer Syndrome; Neoplastic Syndromes, Hereditary; Hereditary neoplastic syndrome; Tumor predisposition. Identifiers: Orphanet 140162, MedGen C0027672, MeSH D009386, MONDO:0015356.

Allele frequency attached by ClinVar (database versions not stated): gnomAD exomes below 0.00001.
gnomAD v4.1: 2 of 1,614,210 alleles (0.00012%); highest among the groups gnomAD compares: Non-Finnish European, 0.00017%; no homozygotes.

Submissions (3):

Labcorp Genetics (formerly Invitae), Labcorp
Classification: Uncertain significance. Last evaluated: 2025-11-25. Review status: criteria provided, single submitter. Criteria: Invitae Variant Classification Sherloc (09022015). Collection method: clinical testing. Allele origin: germline.
Comment: This sequence change replaces glycine, which is neutral and non-polar, with arginine, which is basic and polar, at codon 275 of the CTNNA1 protein (p.Gly275Arg). This variant is not present in population databases (gnomAD no frequency). This variant has not been reported in the literature in individuals affected with CTNNA1-related conditions. ClinVar contains an entry for this variant (Variation ID: 853213). Invitae Evidence Modeling of protein sequence and biophysical properties (such as structural, functional, and spatial information, amino acid conservation, physicochemical variation, residue mobility, and thermodynamic stability) indicates that this missense variant is not expected to disrupt CTNNA1 protein function with a negative predictive value of 80%. In summary, the available evidence is currently insufficient to determine the role of this variant in disease. Therefore, it has been classified as a Variant of Uncertain Significance.

Ambry Genetics
Classification: Uncertain significance for Hereditary cancer-predisposing syndrome. Last evaluated: 2023-10-27. Review status: criteria provided, single submitter. Criteria: Ambry Variant Classification Scheme 2023. Collection method: clinical testing. Allele origin: germline.
Comment: The p.G275R variant (also known as c.823G>A), located in coding exon 5 of the CTNNA1 gene, results from a G to A substitution at nucleotide position 823. The glycine at codon 275 is replaced by arginine, an amino acid with dissimilar properties. This amino acid position is well conserved in available vertebrate species. In addition, this alteration is predicted to be tolerated by in silico analysis. The evidence for this gene-disease relationship is limited; therefore, the clinical significance of this alteration is unclear.

Blueprint Genetics
Classification: Uncertain significance. Last evaluated: 2019-12-09. Review status: criteria provided, single submitter. Criteria: ACMG Guidelines, 2015. Collection method: clinical testing. Allele origin: germline.

NM_001903.5(CTNNA1):c.823G>A (p.Gly275Arg)

Gene: CTNNA1 (catenin alpha 1; plus strand). Cytogenetic location: 5q31.2.
Variant type: single nucleotide variant.
Coding change: c.823G>A on transcript NM_001903.5 (MANE Select); coding-DNA position 823, G replaced by A.
Protein change: p.Gly275Arg; replaces glycine 275 with arginine.
Molecular consequence: missense variant.
Genome position (GRCh38, 1-based): chr5:138,824,764, G>A. VCF-style: chr5-138824764-G-A. GRCh37 (hg19) VCF-style: chr5-138160453-G-A.
Other names: c.823G>A, p.Gly275Arg (NM_001290307.3, NM_001323982.2, NM_001323983.1 and 3 more transcripts); c.514G>A, p.Gly172Arg (NM_001290309.3); c.454G>A, p.Gly152Arg (NM_001290310.3); c.823G>A (NM_001903.2); short protein forms G152R, G172R, G275R.
Identifiers: ClinVar variation 853213 (VCV000853213.9), dbSNP rs1760473602, ClinGen allele CA361130182.